The following continues an entry in ClinVar:

NM_005633.4(SOS1):c.2536G>A (p.Glu846Lys)

Gene: SOS1. ClinVar aggregate classification (germline): Pathogenic. Pathogenic (1).

Submissions 10 to 19 of 19:

GeneDx
Classification: Pathogenic. Last evaluated: 2022-08-30. Review status: criteria provided, single submitter. Criteria: GeneDx Variant Classification Process June 2021. Collection method: clinical testing. Allele origin: germline. Affected: yes. Not counted in ClinVar's aggregate classification.
Comment: Published functional studies demonstrate that this variant results in increased EGF-evoked ERK activation and sustained endogenous RAS activation (Roberts et al., 2007); Not observed at significant frequency in large population cohorts (gnomAD); Missense variants in this gene are often considered pathogenic (HGMD); In silico analysis supports that this missense variant has a deleterious effect on protein structure/function; This variant is associated with the following publications: (PMID: 26918529, 23673306, 24803665, 22555271, 21387466, 21041952, 18854871, 19077116, 17586837, 18651097, 17143282, 28492532, 30055033, 30417923, 31263281, 32753483, 33042901, 34184824, 30732632, 33219052, 17143285)

Revvity Omics, Revvity
Classification: Pathogenic. Last evaluated: 2021-07-26. Review status: criteria provided, single submitter. Criteria: ACMG Guidelines, 2015. Collection method: clinical testing. Allele origin: germline. Not counted in ClinVar's aggregate classification.

Institute of Medical Genetics and Applied Genomics, University Hospital Tübingen
Classification: Pathogenic. Last evaluated: 2020-10-23. Review status: criteria provided, single submitter. Criteria: ACMG Guidelines, 2015. Collection method: clinical testing. Allele origin: germline. Inheritance: Autosomal dominant inheritance. Affected: yes. Not counted in ClinVar's aggregate classification.

Genome Diagnostics Laboratory, The Hospital for Sick Children
Classification: Pathogenic for Noonan syndrome and Noonan-related syndrome. Last evaluated: 2020-03-01. Review status: criteria provided, single submitter. Criteria: ACMG Guidelines, 2015. Collection method: clinical testing. Allele origin: germline. Affected: yes. Not counted in ClinVar's aggregate classification.

Fulgent Genetics
Classification: Pathogenic for Fibromatosis, gingival, 1; Noonan syndrome 4. Last evaluated: 2018-10-31. Review status: criteria provided, single submitter. Criteria: ACMG Guidelines, 2015. Collection method: clinical testing. Allele origin: unknown. Not counted in ClinVar's aggregate classification.

Women's Health and Genetics/Laboratory Corporation of America, LabCorp
Classification: Pathogenic for Rasopathy. Last evaluated: 2018-06-18. Review status: criteria provided, single submitter. Criteria: LabCorp Variant Classification Summary - May 2015. Collection method: clinical testing. Allele origin: germline. Not counted in ClinVar's aggregate classification.
Comment: Variant summary: SOS1 c.2536G>A (p.Glu846Lys) results in a conservative amino acid change located in the Ras guanine-nucleotide exchange factors catalytic domain of the encoded protein sequence. Four of five in-silico tools predict a benign effect of the variant on protein function. The variant was absent in 277182 control chromosomes (gnomAD and publication). The variant, c.2536G>A has been reported in the literature in multiple individuals affected with Noonan Syndrome and Related Conditions (Zenker_2007, Tartaglia_2007, Lepri_2011). These data indicate that the variant is very likely to be associated with disease. At least one publication reports experimental evidence evaluating an impact on protein function. Both heterozygous and homozygous mutant mice showed many NS-associated phenotypes, including growth delay, distinctive facial dysmorphia, hematologic abnormalities, and cardiac defects. Authors found that the Ras/MAPK pathway as well as Rac and Stat3 were activated in the mutant hearts (Chen_2010). Four ClinVar submissions from clinical diagnostic laboratories (evaluation after 2014) cite the variant as pathogenic. Based on the evidence outlined above, the variant was classified as pathogenic.

ARUP Laboratories, Molecular Genetics and Genomics, ARUP Laboratories
Classification: Pathogenic. Last evaluated: 2017-11-09. Review status: criteria provided, single submitter. Criteria: ARUP Molecular Germline Variant Investigation Process. Collection method: clinical testing. Allele origin: germline. Not counted in ClinVar's aggregate classification.

Ambry Genetics
Classification: Pathogenic for Cardiovascular phenotype. Last evaluated: 2016-04-15. Review status: criteria provided, single submitter. Criteria: Ambry Variant Classification Scheme 2023. Collection method: clinical testing. Allele origin: germline. Not counted in ClinVar's aggregate classification.
Comment: The p.E846K pathogenic mutation (also known as c.2536G>A), located in coding exon 16 of the SOS1 gene, results from a G to A substitution at nucleotide position 2536. The glutamic acid at codon 846 is replaced by lysine, an amino acid with similar properties. This mutation has been detected in multiple individuals with a clinical diagnosis of Noonan syndrome (Tartaglia M, Nat. Genet. 2007 Jan; 39(1):75-9; Roberts AE, Nat. Genet. 2007 Jan; 39(1):70-4; Zenker M, J. Med. Genet. 2007 Oct; 44(10):651-6; Neumann TE, Eur. J. Hum. Genet. 2009 Apr; 17(4):420-5; Lepri F, Hum. Mutat. 2011 Jul; 32(7):760-72; Li K, J Cutan Med Surg 2013 May-Jun; 17(3):212-8). In addition, functional studies demonstrated that this alteration resulted in increased RAS-ERK activation (Roberts AE, Nat. Genet. 2007 Jan; 39(1):70-4). Based on the supporting evidence, p.E846K is interpreted as a disease-causing mutation.

Molecular Diagnostics Lab, Nemours Children's Health, Delaware
Classification: Pathogenic. Last evaluated: 2015-07-21. Review status: criteria provided, single submitter. Criteria: ACMG Guidelines, 2015. Collection method: clinical testing. Allele origin: de novo. Affected: yes. Observed: 1 variant allele. Not counted in ClinVar's aggregate classification.

Laboratory for Molecular Medicine, Mass General Brigham Personalized Medicine
Classification: Pathogenic for Noonan syndrome. Last evaluated: 2012-06-06. Review status: criteria provided, single submitter. Criteria: LMM Criteria. Collection method: clinical testing. Allele origin: germline. Observed: 14 variant alleles. Not counted in ClinVar's aggregate classification.
Comment: The Glu846Lys variant in SOS1 has previously been identified in many individuals with clinical features of Noonan syndrome (Lepri 2011, Marco Tartaglia 2007, Ne umann 2009, Roberts 2007, Zenker 2007). This variant has shown segregation consi stent with pathogenicity in a familial case and to have occurred de novo in spor adic cases. In summary, this variant meets our criteria to be classified as path ogenic.

Literature cited by the submitters: PubMed 23673306 (cited by 5 submitters); PubMed 17143285 (cited by 8 submitters); PubMed 17143282 (cited by 6 submitters); PubMed 17586837 (cited by 5 submitters); PubMed 18651097 (cited by Labcorp Genetics (formerly Invitae), Labcorp); PubMed 18854871 (cited by 3 submitters); PubMed 19077116 (cited by Labcorp Genetics (formerly Invitae), Labcorp); PubMed 21387466 (cited by 4 submitters); PubMed 21041952 (cited by 3 submitters); PubMed 22555271 (cited by 3billion); PubMed 20301303 (cited by Victorian Clinical Genetics Services, Murdoch Childrens Research Institute); PubMed 29493581 (cited by Division of Genetic & Genomic Pathology, Hong Kong Children's Hospital).